The following is an entry in ClinVar:

NM_001023570.4(IQCB1):c.1675C>G (p.His559Asp)

Gene: IQCB1 (IQ motif containing B1; minus strand). Cytogenetic location: 3q13.33.
Variant type: single nucleotide variant.
Coding change: c.1675C>G on transcript NM_001023570.4 (MANE Select); coding-DNA position 1675, C replaced by G.
Protein change: p.His559Asp; replaces histidine 559 with aspartic acid.
Molecular consequence: missense variant. On other transcripts: non-coding transcript variant (1).
Genome position (GRCh38, 1-based): chr3:121,770,467, G>C on the plus strand (C>G on the coding strand, the complement: IQCB1 is on the minus strand). VCF-style: chr3-121770467-G-C. GRCh37 (hg19) VCF-style: chr3-121489314-G-C.
Other names: c.1276C>G, p.His426Asp (NM_001023571.4); c.1675C>G, p.His559Asp (NM_001319107.2); short protein forms H559D, H426D.
Identifiers: ClinVar variation 938618 (VCV000938618.9), dbSNP rs1947924234, ClinGen allele CA354108761.

ClinVar aggregate classification (germline): Uncertain significance (1 of 4 stars; one submission).

Conditions:
Nephronophthisis. Also called: Juvenile Nephronophthisis. Identifiers: Orphanet 655, MedGen C0687120, MONDO:0019005, HP:0000090.

Submission:

Labcorp Genetics (formerly Invitae), Labcorp
Classification: Uncertain significance for Nephronophthisis. Last evaluated: 2019-10-03. Review status: criteria provided, single submitter. Criteria: Invitae Variant Classification Sherloc (09022015). Collection method: clinical testing. Allele origin: germline.
Comment: This sequence change replaces histidine with aspartic acid at codon 559 of the IQCB1 protein (p.His559Asp). The histidine residue is moderately conserved and there is a moderate physicochemical difference between histidine and aspartic acid. This variant is not present in population databases (ExAC no frequency). This variant has not been reported in the literature in individuals with IQCB1-related conditions. Algorithms developed to predict the effect of missense changes on protein structure and function are either unavailable or do not agree on the potential impact of this missense change (SIFT: "Deleterious"; PolyPhen-2: "Benign"; Align-GVGD: "Class C0"). In summary, the available evidence is currently insufficient to determine the role of this variant in disease. Therefore, it has been classified as a Variant of Uncertain Significance.